The following is an entry in ClinVar:

NM_001365536.1(SCN9A):c.*4T>A

Genes: SCN1A-AS1 (SCN1A and SCN9A antisense RNA 1; plus strand), SCN9A (sodium voltage-gated channel alpha subunit 9; minus strand). Cytogenetic location: 2q24.3.
Variant type: single nucleotide variant.
Coding change: c.*4T>A on transcript NM_001365536.1 (MANE Select); 4 bases downstream of the stop codon, T replaced by A.
Molecular consequence: 3 prime UTR variant.
Genome position (GRCh38, 1-based): chr2:166,198,668, A>T on the plus strand (T>A on the coding strand, the complement: SCN9A is on the minus strand). VCF-style: chr2-166198668-A-T. GRCh37 (hg19) VCF-style: chr2-167055178-A-T.
Other names: c.*4T>A (NM_002977.4).
Identifiers: ClinVar variation 4796651 (VCV004796651.1).

ClinVar aggregate classification (germline): Uncertain significance (1 of 4 stars; one submission).

gnomAD v4.1: 6 of 1,566,218 alleles (0.00038%); highest among the groups gnomAD compares: African/African-American, 0.0082%; no homozygotes.

Submission:

GeneDx
Classification: Uncertain significance. Last evaluated: 2025-08-20. Review status: criteria provided, single submitter. Criteria: GeneDx Variant Classification Process June 2021. Collection method: clinical testing. Allele origin: germline. Affected: yes.
Comment: Not observed at significant frequency in large population cohorts (gnomAD); Located in a region that tolerates variation and lacks pathogenic variants; Located in a regulatory region; in the absence of functional studies, the actual effect of this sequence change is unknown; Has not been previously published as pathogenic or benign to our knowledge